The following is an entry in ClinVar:

NM_001352027.3(PHF21A):c.1228del (p.Arg410fs)

Gene: PHF21A (PHD finger protein 21A; minus strand). Cytogenetic location: 11p11.2.
Variant type: Deletion.
Coding change: c.1228del on transcript NM_001352027.3 (MANE Select); coding-DNA position 1228, one base deleted (C; older notation c.1228delC).
Protein change: p.Arg410fs; shifts the reading frame from arginine 410.
Molecular consequence: frameshift variant. On other transcripts: non-coding transcript variant (2).
Genome position (GRCh38, 1-based): chr11:45,948,946, G deleted on the plus strand (C on the coding strand, the reverse complement: PHF21A is on the minus strand). VCF-style (leftmost placement, unchanged base first): chr11-45948945-CG-C. GRCh37 (hg19) VCF-style: chr11-45970496-CG-C.
Other names: c.1225del, p.Arg409fs (NM_001101802.3, NM_001352030.3, NM_001352031.3 and 1 more transcripts); c.1228del, p.Arg410fs (NM_001352025.3, NM_001352026.3, NM_001352028.1 and 2 more transcripts); short protein forms R409fs, R410fs.
Identifiers: ClinVar variation 3343822 (VCV003343822.1).

ClinVar aggregate classification (germline): Pathogenic (1 of 4 stars; one submission).

Submission:

GeneDx
Classification: Pathogenic. Last evaluated: 2024-03-27. Review status: criteria provided, single submitter. Criteria: GeneDx Variant Classification Process June 2021. Collection method: clinical testing. Allele origin: germline. Affected: yes.
Comment: Frameshift variant predicted to result in protein truncation or nonsense mediated decay in a gene for which loss-of-function is a known mechanism of disease; Not observed at significant frequency in large population cohorts (gnomAD); Has not been previously published as pathogenic or benign to our knowledge